The following is an entry in ClinVar:

ClinVar aggregate classification (germline): Pathogenic/Likely pathogenic. Review status: criteria provided, multiple submitters, no conflicts (2 of 4 stars). 2 submissions from 2 submitters: Pathogenic (1); Likely pathogenic (1). Last evaluated 2025-02-26.

Conditions:
Cohen syndrome (COH1). Also called: PEPPER SYNDROME; Cutis verticis gyrata, retinitis pigmentosa, and sensorineural deafness. Identifiers: Orphanet 193, MedGen C0265223, MONDO:0008999, OMIM 216550.

Submissions (2):

Labcorp Genetics (formerly Invitae), Labcorp
Classification: Pathogenic for Cohen syndrome. Last evaluated: 2025-02-26. Review status: criteria provided, single submitter. Criteria: Invitae Variant Classification Sherloc (09022015). Collection method: clinical testing. Allele origin: germline.
Comment: This sequence change creates a premature translational stop signal (p.Trp2474*) in the VPS13B gene. It is expected to result in an absent or disrupted protein product. Loss-of-function variants in VPS13B are known to be pathogenic (PMID: 15141358, 16648375, 20461111). This variant is not present in population databases (gnomAD no frequency). This variant has not been reported in the literature in individuals affected with VPS13B-related conditions. For these reasons, this variant has been classified as Pathogenic.

Natera, Inc.
Classification: Likely pathogenic for Cohen syndrome. Last evaluated: 2025-01-14. Review status: criteria provided, single submitter. Criteria: Natera Variant Classification Schema (03/2026). Collection method: clinical testing. Allele origin: germline.
Comment: The c.7422G>A variant in VPS13B is a nonsense variant predicted to introduce a stop codon at amino acid 2474. This variant is expected to result in nonsense mediated decay, truncation, or a dysfunctional protein product. This variant is rare in the general population with a frequency below the threshold expected for the associated phenotype(s). Given the available evidence, this variant is classified as Likely Pathogenic.

Literature cited by the submitters: PubMed 15141358 (cited by Labcorp Genetics (formerly Invitae), Labcorp); PubMed 16648375 (cited by Labcorp Genetics (formerly Invitae), Labcorp); PubMed 20461111 (cited by Labcorp Genetics (formerly Invitae), Labcorp).

NM_152564.5(VPS13B):c.7347G>A (p.Trp2449Ter)

Gene: VPS13B (vacuolar protein sorting 13 homolog B; plus strand). Cytogenetic location: 8q22.2.
Variant type: single nucleotide variant.
Coding change: c.7347G>A on transcript NM_152564.5 (MANE Select); coding-DNA position 7347, G replaced by A.
Protein change: p.Trp2449Ter; replaces tryptophan 2449 with a stop codon.
Molecular consequence: nonsense.
Genome position (GRCh38, 1-based): chr8:99,776,874, G>A. VCF-style: chr8-99776874-G-A. GRCh37 (hg19) VCF-style: chr8-100789102-G-A.
Other names: c.7422G>A, p.Trp2474Ter (NM_017890.5); short protein forms W2449*, W2474*.
Identifiers: ClinVar variation 4063269 (VCV004063269.3).